The following is an entry in ClinVar:

NM_006017.3(PROM1):c.2485G>A (p.Asp829Asn)

Gene: PROM1 (prominin 1; minus strand). Cytogenetic location: 4p15.32.
Variant type: single nucleotide variant.
Coding change: c.2485G>A on transcript NM_006017.3 (MANE Select); coding-DNA position 2485, G replaced by A.
Protein change: p.Asp829Asn; replaces aspartic acid 829 with asparagine.
Molecular consequence: missense variant.
Genome position (GRCh38, 1-based): chr4:15,980,426, C>T on the plus strand (G>A on the coding strand, the complement: PROM1 is on the minus strand). VCF-style: chr4-15980426-C-T. GRCh37 (hg19) VCF-style: chr4-15982049-C-T.
Other names: c.2458G>A, p.Asp820Asn (NM_001145847.2, NM_001145848.2, NM_001145851.2 and 4 more transcripts); c.2485G>A, p.Asp829Asn (NM_001145849.2, NM_001145850.2); short protein forms D820N, D829N.
Identifiers: ClinVar variation 903034 (VCV000903034.15), dbSNP rs146434364, ClinGen allele CA2866380.

ClinVar aggregate classification (germline): Conflicting classifications of pathogenicity. Review status: criteria provided, conflicting classifications (1 of 4 stars). 8 submissions from 5 submitters: Uncertain significance (3); Benign (3); Likely benign (2). Last evaluated 2025-11-03.

Conditions:
Retinal dystrophy. Also called: Inherited retinal dystrophy. Identifiers: Orphanet 71862, MedGen C0854723, MeSH D058499, MONDO:0019118, HP:0000556.
Stargardt disease 4 (STGD4). Identifiers: Orphanet 827, MedGen C1863534, MONDO:0011370, OMIM 603786.
Retinitis pigmentosa (RP). Identifiers: Orphanet 791, MedGen C0035334, MeSH D012174, MONDO:0019200, OMIM 268000. Inheritance: Autosomal dominant, autosomal recessive and X linked inheritance.
PROM1-related disorder. Also called: PROM1-related disorders; PROM1-related condition.
Cone-rod dystrophy 12 (CORD12). Identifiers: Orphanet 1872, MedGen C2675210, MONDO:0012983, OMIM 612657.
Retinal macular dystrophy type 2 (MCDR2). Also called: Bull's eye macular dystrophy. Identifiers: Orphanet 319640, MedGen C4749334, MONDO:0011957, OMIM 608051.

Allele frequency attached by ClinVar (database versions not stated): ExAC 0.00008; gnomAD exomes 0.00008; TOPMed 0.00008; gnomAD 0.00010 and 0.00028; 1000 Genomes Project 30x 0.00109; 1000 Genomes Project 0.00140.
gnomAD v4.1: 628 of 1,541,776 alleles (0.041%); highest among the groups gnomAD compares: East Asian, 1.5%; 8 homozygotes.

Submissions (8):

Labcorp Genetics (formerly Invitae), Labcorp
Classification: Uncertain significance. Last evaluated: 2025-11-03. Review status: criteria provided, single submitter. Criteria: Invitae Variant Classification Sherloc (09022015). Collection method: clinical testing. Allele origin: germline.
Comment: This sequence change replaces aspartic acid, which is acidic and polar, with asparagine, which is neutral and polar, at codon 829 of the PROM1 protein (p.Asp829Asn). This variant is present in population databases (rs146434364, gnomAD 0.09%). This missense change has been observed in individual(s) with macular dystrophy (PMID: 28095140). ClinVar contains an entry for this variant (Variation ID: 903034). Invitae Evidence Modeling of protein sequence and biophysical properties (such as structural, functional, and spatial information, amino acid conservation, physicochemical variation, residue mobility, and thermodynamic stability) indicates that this missense variant is expected to disrupt PROM1 protein function with a positive predictive value of 80%. In summary, the available evidence is currently insufficient to determine the role of this variant in disease. Therefore, it has been classified as a Variant of Uncertain Significance.

PreventionGenetics, part of Exact Sciences
Classification: Likely benign for PROM1-related condition. Last evaluated: 2024-12-18. Review status: criteria provided, single submitter. Criteria: ACMG Guidelines, 2015. Collection method: clinical testing. Allele origin: germline.
Comment: This variant is classified as likely benign based on ACMG/AMP sequence variant interpretation guidelines (Richards et al. 2015 PMID: 25741868, with internal and published modifications).

Dept Of Ophthalmology, Nagoya University
Classification: Benign for Retinal dystrophy. Last evaluated: 2023-10-01. Review status: criteria provided, single submitter. Criteria: Submitter's publication. Collection method: research. Allele origin: germline. Affected: yes.

Blueprint Genetics
Classification: Uncertain significance. Last evaluated: 2022-08-16. Review status: criteria provided, single submitter. Criteria: ACMG Guidelines, 2015. Collection method: clinical testing. Allele origin: germline.

Illumina Laboratory Services, Illumina
Classification: Benign for Cone-rod dystrophy 12. Last evaluated: 2018-01-13. Review status: criteria provided, single submitter. Criteria: ICSL Variant Classification Criteria 13 December 2019. Collection method: clinical testing. Allele origin: germline.
Comment: This variant was observed in the ICSL laboratory as part of a predisposition screen in an ostensibly healthy population. It had not been previously curated by ICSL or reported in the Human Gene Mutation Database (HGMD: prior to June 1st, 2018), and was therefore a candidate for classification through an automated scoring system. Utilizing variant allele frequency, disease prevalence and penetrance estimates, and inheritance mode, an automated score was calculated to assess if this variant is too frequent to cause the disease. Based on the score and internal cut-off values, a variant classified as benign is not then subjected to further curation. The score for this variant resulted in a classification of benign for this disease.

Illumina Laboratory Services, Illumina
Classification: Likely benign for Retinal macular dystrophy type 2. Last evaluated: 2018-01-13. Review status: criteria provided, single submitter. Criteria: ICSL Variant Classification Criteria 13 December 2019. Collection method: clinical testing. Allele origin: germline.
Comment: This variant was observed in the ICSL laboratory as part of a predisposition screen in an ostensibly healthy population. It had not been previously curated by ICSL or reported in the Human Gene Mutation Database (HGMD: prior to June 1st, 2018), and was therefore a candidate for classification through an automated scoring system. Utilizing variant allele frequency, disease prevalence and penetrance estimates, and inheritance mode, an automated score was calculated to assess if this variant is too frequent to cause the disease. Based on the score and internal cut-off values, a variant classified as likely benign is not then subjected to further curation. The score for this variant resulted in a classification of likely benign for this disease.

Illumina Laboratory Services, Illumina
Classification: Benign for Stargardt disease 4. Last evaluated: 2018-01-13. Review status: criteria provided, single submitter. Criteria: ICSL Variant Classification Criteria 13 December 2019. Collection method: clinical testing. Allele origin: germline.
Comment: the same text as in the submission from Illumina Laboratory Services, Illumina above.

Illumina Laboratory Services, Illumina
Classification: Uncertain significance for Retinitis pigmentosa. Last evaluated: 2018-01-13. Review status: criteria provided, single submitter. Criteria: ICSL Variant Classification Criteria 13 December 2019. Collection method: clinical testing. Allele origin: germline.

Literature cited by the submitters: PubMed 28095140 (cited by Labcorp Genetics (formerly Invitae), Labcorp).